The following is an entry in ClinVar:

NM_003801.4(GPAA1):c.1285G>A (p.Ala429Thr)

Gene: GPAA1 (glycosylphosphatidylinositol anchor attachment 1; plus strand). Cytogenetic location: 8q24.3.
Variant type: single nucleotide variant.
Coding change: c.1285G>A on transcript NM_003801.4 (MANE Select); coding-DNA position 1285, G replaced by A.
Protein change: p.Ala429Thr; replaces alanine 429 with threonine.
Molecular consequence: missense variant.
Genome position (GRCh38, 1-based): chr8:144,085,313, G>A. VCF-style: chr8-144085313-G-A. GRCh37 (hg19) VCF-style: chr8-145140216-G-A.
Other names: p.Ala429Thr; short protein forms A429T.
Identifiers: ClinVar variation 787063 (VCV000787063.14), dbSNP rs115716841, ClinGen allele CA4933132.

ClinVar aggregate classification (germline): Benign. Review status: criteria provided, multiple submitters, no conflicts (2 of 4 stars). 4 submissions from 4 submitters: Benign (3). 1 of the submissions does not count toward it. Last evaluated 2026-02-02.

Conditions:
GPAA1-related disorder. Also called: GPAA1-related condition.

Allele frequency attached by ClinVar (database versions not stated): gnomAD exomes 0.00166 and 0.00415; ExAC 0.00546; 1000 Genomes Project 0.01278; 1000 Genomes Project 30x 0.01499; gnomAD 0.01686 and 0.01850; ESP Exome Variant Server 0.01843; TOPMed 0.01924.

Submissions (4):

Labcorp Genetics (formerly Invitae), Labcorp
Classification: Benign. Last evaluated: 2026-02-02. Review status: criteria provided, single submitter. Criteria: Invitae Variant Classification Sherloc (09022015). Collection method: clinical testing. Allele origin: germline.

Mayo Clinic Laboratories, Mayo Clinic
Classification: Benign. Last evaluated: 2022-06-19. Review status: criteria provided, single submitter. Criteria: ACMG Guidelines, 2015. Collection method: clinical testing. Allele origin: germline. Observed: 5 variant alleles.

Breakthrough Genomics
Classification: Benign. Review status: criteria provided, single submitter. Criteria: ACMG Guidelines, 2015. Collection method: not provided. Allele origin: germline. Inheritance: Autosomal recessive inheritance. Affected: yes.

PreventionGenetics, part of Exact Sciences
Classification: Benign for GPAA1-related condition. Last evaluated: 2019-07-18. Review status: no assertion criteria provided. Collection method: clinical testing. Allele origin: germline. Not counted in ClinVar's aggregate classification.
Comment: This variant is classified as benign based on ACMG/AMP sequence variant interpretation guidelines (Richards et al. 2015 PMID: 25741868, with internal and published modifications).